The following is an entry in ClinVar:

NM_000180.4(GUCY2D):c.449G>C (p.Trp150Ser)

Gene: GUCY2D (guanylate cyclase 2D, retinal; plus strand). Cytogenetic location: 17p13.1.
Variant type: single nucleotide variant.
Coding change: c.449G>C on transcript NM_000180.4 (MANE Select); coding-DNA position 449, G replaced by C.
Protein change: p.Trp150Ser; replaces tryptophan 150 with serine.
Molecular consequence: missense variant.
Genome position (GRCh38, 1-based): chr17:8,003,496, G>C. VCF-style: chr17-8003496-G-C. GRCh37 (hg19) VCF-style: chr17-7906814-G-C.
Other names: short protein forms W150S.
Identifiers: ClinVar variation 2094232 (VCV002094232.4), dbSNP rs2545418008, ClinGen allele CA397943647.

ClinVar aggregate classification (germline): Uncertain significance (1 of 4 stars; one submission).

Conditions:
Cone-rod dystrophy 6 (CORD6). Also called: Cone dystrophy progressive; RETINAL CONE DYSTROPHY 2. Identifiers: Orphanet 1872, MedGen C1866293, MONDO:0011143, OMIM 601777.
Leber congenital amaurosis 1 (LCA1). Also called: AMAUROSIS CONGENITA OF LEBER I; Congenital absence of the rods and cones; Leber's congenital tapetoretinal degeneration; Leber's congenital tapetoretinal dysplasia; RETINAL BLINDNESS, CONGENITAL. Identifiers: Orphanet 65, MedGen C2931258, MONDO:0008764, OMIM 204000.

Submission:

Labcorp Genetics (formerly Invitae), Labcorp
Classification: Uncertain significance for Leber congenital amaurosis 1; Cone-rod dystrophy 6. Last evaluated: 2022-02-06. Review status: criteria provided, single submitter. Criteria: Invitae Variant Classification Sherloc (09022015). Collection method: clinical testing. Allele origin: germline.
Comment: In summary, the available evidence is currently insufficient to determine the role of this variant in disease. Therefore, it has been classified as a Variant of Uncertain Significance. Algorithms developed to predict the effect of missense changes on protein structure and function are either unavailable or do not agree on the potential impact of this missense change (SIFT: "Deleterious"; PolyPhen-2: "Probably Damaging"; Align-GVGD: "Class C0"). This variant has not been reported in the literature in individuals affected with GUCY2D-related conditions. This variant is not present in population databases (gnomAD no frequency). This sequence change replaces tryptophan, which is neutral and slightly polar, with serine, which is neutral and polar, at codon 150 of the GUCY2D protein (p.Trp150Ser).